The following is an entry in ClinVar:

NM_005739.4(RASGRP1):c.1855G>C (p.Ala619Pro)

Gene: RASGRP1 (RAS guanyl releasing protein 1; minus strand). Cytogenetic location: 15q14.
Variant type: single nucleotide variant.
Coding change: c.1855G>C on transcript NM_005739.4 (MANE Select); coding-DNA position 1855, G replaced by C.
Protein change: p.Ala619Pro; replaces alanine 619 with proline.
Molecular consequence: missense variant.
Genome position (GRCh38, 1-based): chr15:38,498,812, C>G on the plus strand (G>C on the coding strand, the complement: RASGRP1 is on the minus strand). VCF-style: chr15-38498812-C-G. GRCh37 (hg19) VCF-style: chr15-38791013-C-G.
Other names: c.1750G>C, p.Ala584Pro (NM_001128602.2, NM_001306086.2); short protein forms A619P, A584P.
Identifiers: ClinVar variation 4745198 (VCV004745198.1).
Genomic context (GRCh38, chr15:38,498,812, plus strand): 5'-CTACTTCACTTTCCAAGATGAATGTTCCCAGTGCCTACTTACCATGGAGCAGATCTTTGG[C>G]TCCCAATGAGCAAAGGTTGGACACTGGCCCCACAGAAGTGTTGTTCTCTGTGGGAGCTAC-3'
Protein context (NP_005730.2, residues 609-629): GPVSNLCSLG[Ala619Pro]KDLLHAPEEG

ClinVar aggregate classification (germline): Uncertain significance (1 of 4 stars; one submission).

Submission:

Labcorp Genetics (formerly Invitae), Labcorp
Classification: Uncertain significance. Last evaluated: 2025-05-25. Review status: criteria provided, single submitter. Criteria: Invitae Variant Classification Sherloc (09022015). Collection method: clinical testing. Allele origin: germline.
Comment: This sequence change replaces alanine, which is neutral and non-polar, with proline, which is neutral and non-polar, at codon 619 of the RASGRP1 protein (p.Ala619Pro). This variant is not present in population databases (gnomAD no frequency). This variant has not been reported in the literature in individuals affected with RASGRP1-related conditions. Invitae Evidence Modeling of protein sequence and biophysical properties (such as structural, functional, and spatial information, amino acid conservation, physicochemical variation, residue mobility, and thermodynamic stability) indicates that this missense variant is not expected to disrupt RASGRP1 protein function with a negative predictive value of 80%. In summary, the available evidence is currently insufficient to determine the role of this variant in disease. Therefore, it has been classified as a Variant of Uncertain Significance.